The following is an entry in ClinVar:

ClinVar aggregate classification (germline): Benign/Likely benign. Review status: criteria provided, multiple submitters, no conflicts (2 of 4 stars). 3 submissions from 3 submitters: Benign (2); Likely benign (1). Last evaluated 2025-12-24.

Allele frequency attached by ClinVar (database versions not stated): 1000 Genomes Project 30x 0.00016; 1000 Genomes Project 0.00020; TOPMed 0.00032; gnomAD exomes 0.00075 and 0.00054; ESP Exome Variant Server 0.00046; ExAC 0.00059; gnomAD 0.00066 and 0.00067.
gnomAD v4.1: 881 of 1,613,114 alleles (0.055%); highest among the groups gnomAD compares: Non-Finnish European, 0.048%; no homozygotes.

Submissions (3):

Labcorp Genetics (formerly Invitae), Labcorp
Classification: Benign. Last evaluated: 2025-12-24. Review status: criteria provided, single submitter. Criteria: Invitae Variant Classification Sherloc (09022015). Collection method: clinical testing. Allele origin: germline.

CeGaT Center for Human Genetics Tuebingen
Classification: Likely benign. Last evaluated: 2022-06-01. Review status: criteria provided, single submitter. Criteria: CeGaT Center For Human Genetics Tuebingen Variant Classification Criteria Version 2. Collection method: clinical testing. Allele origin: germline. Affected: yes. Observed: 1 variant allele.
Comment: CELSR2: BP4, BP7

Breakthrough Genomics
Classification: Benign. Review status: criteria provided, single submitter. Criteria: ACMG Guidelines, 2015. Collection method: not provided. Allele origin: germline. Inheritance: Unknown mechanism. Affected: yes.

NM_001408.3(CELSR2):c.8412C>T (p.Asn2804=)

Gene: CELSR2 (cadherin EGF LAG seven-pass G-type receptor 2; plus strand). Cytogenetic location: 1p13.3.
Variant type: single nucleotide variant.
Coding change: c.8412C>T on transcript NM_001408.3 (MANE Select); coding-DNA position 8412, C replaced by T.
Protein change: p.Asn2804=; no amino-acid change (asparagine 2804 retained).
Molecular consequence: synonymous variant.
Genome position (GRCh38, 1-based): chr1:109,273,239, C>T. VCF-style: chr1-109273239-C-T. GRCh37 (hg19) VCF-style: chr1-109815861-C-T.
Identifiers: ClinVar variation 1534916 (VCV001534916.32), dbSNP rs149569254, ClinGen allele CA988566.